The following is an entry in ClinVar:

ClinVar aggregate classification (germline): Likely benign (1 of 4 stars; one submission).

gnomAD v4.1: 36 of 1,614,068 alleles (0.0022%); highest among the groups gnomAD compares: South Asian, 0.014%; no homozygotes.

Submission:

CeGaT Center for Human Genetics Tuebingen
Classification: Likely benign. Last evaluated: 2024-08-01. Review status: criteria provided, single submitter. Criteria: CeGaT Center For Human Genetics Tuebingen Variant Classification Criteria Version 2. Collection method: clinical testing. Allele origin: germline. Affected: yes. Observed: 1 variant allele.
Comment: CIC: BP4, BP7

NM_001386298.1(CIC):c.3678C>T (p.Ser1226=)

Gene: CIC (capicua transcriptional repressor; plus strand). Cytogenetic location: 19q13.2.
Variant type: single nucleotide variant.
Coding change: c.3678C>T on transcript NM_001386298.1 (MANE Select); coding-DNA position 3678, C replaced by T.
Protein change: p.Ser1226=; no amino-acid change (serine 1226 retained).
Molecular consequence: synonymous variant.
Genome position (GRCh38, 1-based): chr19:42,288,907, C>T. VCF-style: chr19-42288907-C-T. GRCh37 (hg19) VCF-style: chr19-42793059-C-T.
Other names: c.3678C>T, p.Ser1226= (NM_001304815.2, NM_001379480.1, NM_001379482.1); c.951C>T, p.Ser317= (NM_001379484.1, NM_001379485.1, NM_015125.5).
Identifiers: ClinVar variation 3341829 (VCV003341829.16).